The following is an entry in ClinVar:

NM_000263.4(NAGLU):c.735C>T (p.Phe245=)

Gene: NAGLU (N-acetyl-alpha-glucosaminidase; plus strand). Cytogenetic location: 17q21.2.
Variant type: single nucleotide variant.
Coding change: c.735C>T on transcript NM_000263.4 (MANE Select); coding-DNA position 735, C replaced by T.
Protein change: p.Phe245=; no amino-acid change (phenylalanine 245 retained).
Molecular consequence: synonymous variant.
Genome position (GRCh38, 1-based): chr17:42,538,726, C>T. VCF-style: chr17-42538726-C-T. GRCh37 (hg19) VCF-style: chr17-40690744-C-T.
Identifiers: ClinVar variation 1129196 (VCV001129196.14), dbSNP rs539646032, ClinGen allele CA8576840.
Genomic context (GRCh38, chr17:42,538,726, plus strand): 5'-CCAGCACCGGGTCCTGGACCAGATGCGCTCCTTCGGCATGACCCCAGTGCTGCCTGCATT[C>T]GCGGGGCATGTTCCCGAGGCTGTCACCAGGTGAGGTTCCGCTCACCCCCTCCACTTAGCT-3'
Protein context (NP_000254.2, residues 235-255): SFGMTPVLPA[Phe245=]AGHVPEAVTR

ClinVar aggregate classification (germline): Likely benign. Review status: criteria provided, multiple submitters, no conflicts (2 of 4 stars). 2 submissions from 2 submitters: Likely benign (2). Last evaluated 2025-12-01.

Conditions:
Mucopolysaccharidosis, MPS-III-B (MPS3B). Also called: MPS III B; Mucopolysaccharidosis type IIIB (Sanfilippo B); MPS IIIB (Sanfilippo Syndrome Type B); N-ACETYL-ALPHA-D-GLUCOSAMINIDASE DEFICIENCY; NAGLU DEFICIENCY; SANFILIPPO SYNDROME B. Identifiers: Orphanet 79270, MedGen C0086648, MONDO:0009656, OMIM 252920.
Charcot-Marie-Tooth disease axonal type 2V. Also called: CHARCOT-MARIE-TOOTH NEUROPATHY, TYPE 2V; CHARCOT-MARIE-TOOTH DISEASE, AXONAL, AUTOSOMAL DOMINANT, TYPE 2V. Identifiers: Orphanet 447964, MedGen C5569050, MONDO:0014665, OMIM 616491.

Allele frequency attached by ClinVar (database versions not stated): gnomAD exomes below 0.00001 and 0.00001; gnomAD 0.00001 and 0.00002; TOPMed 0.00001; ExAC 0.00002; 1000 Genomes Project 30x 0.00031; 1000 Genomes Project 0.00040.
gnomAD v4.1: 10 of 1,614,040 alleles (0.00062%); highest among the groups gnomAD compares: East Asian, 0.0022%; no homozygotes.

Submissions (2):

CeGaT Center for Human Genetics Tuebingen
Classification: Likely benign. Last evaluated: 2025-12-01. Review status: criteria provided, single submitter. Criteria: CeGaT Center For Human Genetics Tuebingen Variant Classification Criteria Version 2. Collection method: clinical testing. Allele origin: germline. Affected: yes. Observed: 1 variant allele.
Comment: NAGLU: BP4, BP7

Labcorp Genetics (formerly Invitae), Labcorp
Classification: Likely benign for Charcot-Marie-Tooth disease axonal type 2V; Mucopolysaccharidosis, MPS-III-B. Last evaluated: 2024-10-23. Review status: criteria provided, single submitter. Criteria: Invitae Variant Classification Sherloc (09022015). Collection method: clinical testing. Allele origin: germline.